The following is an entry in ClinVar:

ClinVar aggregate classification (germline): Uncertain significance (1 of 4 stars; one submission).

Submission:

Labcorp Genetics (formerly Invitae), Labcorp
Classification: Uncertain significance. Last evaluated: 2025-04-24. Review status: criteria provided, single submitter. Criteria: Invitae Variant Classification Sherloc (09022015). Collection method: clinical testing. Allele origin: germline.
Comment: This sequence change replaces glycine, which is neutral and non-polar, with arginine, which is basic and polar, at codon 938 of the COL7A1 protein (p.Gly938Arg). This variant is not present in population databases (gnomAD no frequency). This variant has not been reported in the literature in individuals affected with COL7A1-related conditions. Invitae Evidence Modeling of protein sequence and biophysical properties (such as structural, functional, and spatial information, amino acid conservation, physicochemical variation, residue mobility, and thermodynamic stability) indicates that this missense variant is not expected to disrupt COL7A1 protein function with a negative predictive value of 95%. In summary, the available evidence is currently insufficient to determine the role of this variant in disease. Therefore, it has been classified as a Variant of Uncertain Significance.

NM_000094.4(COL7A1):c.2812G>C (p.Gly938Arg)

Gene: COL7A1 (collagen type VII alpha 1 chain; minus strand). Cytogenetic location: 3p21.31.
Variant type: single nucleotide variant.
Coding change: c.2812G>C on transcript NM_000094.4 (MANE Select); coding-DNA position 2812, G replaced by C.
Protein change: p.Gly938Arg; replaces glycine 938 with arginine.
Molecular consequence: missense variant.
Genome position (GRCh38, 1-based): chr3:48,587,838, C>G on the plus strand (G>C on the coding strand, the complement: COL7A1 is on the minus strand). VCF-style: chr3-48587838-C-G. GRCh37 (hg19) VCF-style: chr3-48625271-C-G.
Other names: short protein forms G938R.
Identifiers: ClinVar variation 4809029 (VCV004809029.1).